The following is an entry in ClinVar:

NM_017613.4(DONSON):c.728G>A (p.Gly243Glu)

Gene: DONSON (DNA replication fork stabilization factor DONSON; minus strand). Cytogenetic location: 21q22.11.
Variant type: single nucleotide variant.
Coding change: c.728G>A on transcript NM_017613.4 (MANE Select); coding-DNA position 728, G replaced by A.
Protein change: p.Gly243Glu; replaces glycine 243 with glutamic acid.
Molecular consequence: missense variant.
Genome position (GRCh38, 1-based): chr21:33,584,647, C>T on the plus strand (G>A on the coding strand, the complement: DONSON is on the minus strand). VCF-style: chr21-33584647-C-T. GRCh37 (hg19) VCF-style: chr21-34956953-C-T.
Other names: short protein forms G243E.
Identifiers: ClinVar variation 1935661 (VCV001935661.2), dbSNP rs749108299, ClinGen allele CA10010528.

ClinVar aggregate classification (germline): Uncertain significance (1 of 4 stars; one submission).

Allele frequency attached by ClinVar (database versions not stated): TOPMed below 0.00001; ExAC 0.00001; gnomAD 0.00001.

Submission:

Labcorp Genetics (formerly Invitae), Labcorp
Classification: Uncertain significance. Last evaluated: 2022-08-27. Review status: criteria provided, single submitter. Criteria: Invitae Variant Classification Sherloc (09022015). Collection method: clinical testing. Allele origin: germline.
Comment: This sequence change replaces glycine, which is neutral and non-polar, with glutamic acid, which is acidic and polar, at codon 243 of the DONSON protein (p.Gly243Glu). This variant is present in population databases (rs749108299, gnomAD 0.003%). This variant has not been reported in the literature in individuals affected with DONSON-related conditions. Algorithms developed to predict the effect of missense changes on protein structure and function (SIFT, PolyPhen-2, Align-GVGD) all suggest that this variant is likely to be disruptive. In summary, the available evidence is currently insufficient to determine the role of this variant in disease. Therefore, it has been classified as a Variant of Uncertain Significance.